The following is an entry in ClinVar:

ClinVar aggregate classification (germline): Uncertain significance (0 of 4 stars; one submission).

Conditions:
CREBBP-related disorder. Also called: CREBBP-related condition; CREBBP-related disorders.

gnomAD v4.1: 2 of 1,613,954 alleles (0.00012%); highest among the groups gnomAD compares: East Asian, 0.0022%; no homozygotes.

Submission:

PreventionGenetics, part of Exact Sciences
Classification: Uncertain significance for CREBBP-related condition. Last evaluated: 2024-05-02. Review status: no assertion criteria provided. Collection method: clinical testing. Allele origin: germline.
Comment: The CREBBP c.2569C>T variant is predicted to result in the amino acid substitution p.Pro857Ser. To our knowledge, this variant has not been reported in the literature. This variant is reported in 0.0054% of alleles in individuals of East Asian descent in gnomAD. At this time, the clinical significance of this variant is uncertain due to the absence of conclusive functional and genetic evidence.

NM_004380.3(CREBBP):c.2569C>T (p.Pro857Ser)

Gene: CREBBP (CREB binding lysine acetyltransferase; minus strand). Cytogenetic location: 16p13.3.
Variant type: single nucleotide variant.
Coding change: c.2569C>T on transcript NM_004380.3 (MANE Select); coding-DNA position 2569, C replaced by T.
Protein change: p.Pro857Ser; replaces proline 857 with serine.
Molecular consequence: missense variant.
Genome position (GRCh38, 1-based): chr16:3,770,881, G>A on the plus strand (C>T on the coding strand, the complement: CREBBP is on the minus strand). VCF-style: chr16-3770881-G-A. GRCh37 (hg19) VCF-style: chr16-3820882-G-A.
Other names: c.2455C>T, p.Pro819Ser (NM_001079846.1); short protein forms P819S, P857S.
Identifiers: ClinVar variation 3354348 (VCV003354348.1).